The following is an entry in ClinVar:

NM_001369268.1(ACAN):c.6946G>C (p.Asp2316His)

Gene: ACAN (aggrecan; plus strand). Cytogenetic location: 15q26.1.
Variant type: single nucleotide variant.
Coding change: c.6946G>C on transcript NM_001369268.1 (MANE Select); coding-DNA position 6946, G replaced by C.
Protein change: p.Asp2316His; replaces aspartic acid 2316 with histidine.
Molecular consequence: missense variant. On other transcripts: intron variant (1).
Genome position (GRCh38, 1-based): chr15:88,860,439, G>C. VCF-style: chr15-88860439-G-C. GRCh37 (hg19) VCF-style: chr15-89403670-G-C.
Other names: c.6946G>C, p.Asp2316His (NM_013227.4); c.6832+1022G>C (NM_001135.4); short protein forms D2316H.
Identifiers: ClinVar variation 1416177 (VCV001416177.7), dbSNP rs1292831388, ClinGen allele CA393728325.

ClinVar aggregate classification (germline): Uncertain significance. Review status: criteria provided, multiple submitters, no conflicts (2 of 4 stars). 2 submissions from 2 submitters: Uncertain significance (2). Last evaluated 2026-01-04.

Allele frequency attached by ClinVar (database versions not stated): gnomAD 0.00004 and 0.00005; TOPMed 0.00008.
gnomAD v4.1: 11 of 1,612,222 alleles (0.00068%); highest among the groups gnomAD compares: Admixed American, 0.015%; no homozygotes.

Submissions (2):

Labcorp Genetics (formerly Invitae), Labcorp
Classification: Uncertain significance. Last evaluated: 2026-01-04. Review status: criteria provided, single submitter. Criteria: Invitae Variant Classification Sherloc (09022015). Collection method: clinical testing. Allele origin: germline.
Comment: This sequence change replaces aspartic acid, which is acidic and polar, with histidine, which is basic and polar, at codon 2316 of the ACAN protein (p.Asp2316His). This variant also falls at the last nucleotide of exon 13, which is part of the consensus splice site for this exon. This variant is not present in population databases (gnomAD no frequency). This variant has not been reported in the literature in individuals affected with ACAN-related conditions. ClinVar contains an entry for this variant (Variation ID: 1416177). An algorithm developed to predict the effect of missense changes on protein structure and function (PolyPhen-2) suggests that this variant is likely to be disruptive. Variants that disrupt the consensus splice site are a relatively common cause of aberrant splicing (PMID: 17576681, 9536098). Algorithms developed to predict the effect of sequence changes on RNA splicing suggest that this variant may disrupt the consensus splice site. In summary, the available evidence is currently insufficient to determine the role of this variant in disease. Therefore, it has been classified as a Variant of Uncertain Significance.

Blueprint Genetics
Classification: Uncertain significance. Last evaluated: 2022-05-14. Review status: criteria provided, single submitter. Criteria: ACMG Guidelines, 2015. Collection method: clinical testing. Allele origin: germline.

Literature cited by the submitters: PubMed 17576681 (cited by Labcorp Genetics (formerly Invitae), Labcorp); PubMed 9536098 (cited by Labcorp Genetics (formerly Invitae), Labcorp).